The following is an entry in ClinVar:

NM_000214.3(JAG1):c.335G>A (p.Ser112Asn)

Gene: JAG1 (jagged canonical Notch ligand 1; minus strand). Cytogenetic location: 20p12.2.
Variant type: single nucleotide variant.
Coding change: c.335G>A on transcript NM_000214.3 (MANE Select); coding-DNA position 335, G replaced by A.
Protein change: p.Ser112Asn; replaces serine 112 with asparagine.
Molecular consequence: missense variant.
Genome position (GRCh38, 1-based): chr20:10,672,753, C>T on the plus strand (G>A on the coding strand, the complement: JAG1 is on the minus strand). VCF-style: chr20-10672753-C-T. GRCh37 (hg19) VCF-style: chr20-10653401-C-T.
Other names: short protein forms S112N.
Identifiers: ClinVar variation 1730596 (VCV001730596.2), dbSNP rs1190098043, ClinGen allele CA408242575.
Genomic context (GRCh38, chr20:10,672,753, plus strand): 5'-TCACTCACCGGCCAGGCGAAACTGAAAGGCAGCACGATGCGGTTGCGGTCGTTGCCGCGG[C>T]TGGCCTTGAGGTTGAAGGTGTTGCCCCCGATGACAGGCGTGGACCCTGAGCCGAAGCTGC-3'
Protein context (NP_000205.1, residues 102-122): IGGNTFNLKA[Ser112Asn]RGNDRNRIVL

ClinVar aggregate classification (germline): Uncertain significance (1 of 4 stars; one submission).

Conditions:
Cardiovascular phenotype. Identifiers: MedGen CN230736.

Allele frequency attached by ClinVar (database versions not stated): gnomAD 0.00001; gnomAD exomes 0.00001; TOPMed 0.00001.

Submission:

Ambry Genetics
Classification: Uncertain significance for Cardiovascular phenotype. Last evaluated: 2022-02-21. Review status: criteria provided, single submitter. Criteria: Ambry Variant Classification Scheme 2023. Collection method: clinical testing. Allele origin: germline.
Comment: The p.S112N variant (also known as c.335G>A), located in coding exon 2 of the JAG1 gene, results from a G to A substitution at nucleotide position 335. The serine at codon 112 is replaced by asparagine, an amino acid with highly similar properties. This amino acid position is conserved. In addition, this alteration is predicted to be tolerated by in silico analysis. Since supporting evidence is limited at this time, the clinical significance of this alteration remains unclear.